The following is an entry in ClinVar:

ClinVar aggregate classification (germline): Uncertain significance. Review status: criteria provided, multiple submitters, no conflicts (2 of 4 stars). 3 submissions from 3 submitters: Uncertain significance (3). Last evaluated 2023-11-02.

Conditions:
Inborn genetic diseases. Identifiers: MedGen C0950123, MeSH D030342.

Allele frequency attached by ClinVar (database versions not stated): TOPMed 0.00001; ExAC 0.00003; gnomAD 0.00003.
gnomAD v4.1: 51 of 1,598,628 alleles (0.0032%); highest among the groups gnomAD compares: East Asian, 0.0067%; no homozygotes.

Submissions (3):

GeneDx
Classification: Uncertain significance. Last evaluated: 2023-11-02. Review status: criteria provided, single submitter. Criteria: GeneDx Variant Classification Process June 2021. Collection method: clinical testing. Allele origin: germline. Affected: yes.
Comment: Not observed at significant frequency in large population cohorts (gnomAD); In silico analysis supports that this missense variant does not alter protein structure/function; Has not been previously published as pathogenic or benign to our knowledge

Labcorp Genetics (formerly Invitae), Labcorp
Classification: Uncertain significance. Last evaluated: 2023-08-30. Review status: criteria provided, single submitter. Criteria: Invitae Variant Classification Sherloc (09022015). Collection method: clinical testing. Allele origin: germline.
Comment: In summary, the available evidence is currently insufficient to determine the role of this variant in disease. Therefore, it has been classified as a Variant of Uncertain Significance. Advanced modeling of protein sequence and biophysical properties (such as structural, functional, and spatial information, amino acid conservation, physicochemical variation, residue mobility, and thermodynamic stability) performed at Invitae indicates that this missense variant is not expected to disrupt KATNB1 protein function. ClinVar contains an entry for this variant (Variation ID: 2173756). This variant has not been reported in the literature in individuals affected with KATNB1-related conditions. This variant is present in population databases (rs781794269, gnomAD 0.004%). This sequence change replaces valine, which is neutral and non-polar, with isoleucine, which is neutral and non-polar, at codon 544 of the KATNB1 protein (p.Val544Ile).

Ambry Genetics
Classification: Uncertain significance for Inborn genetic diseases. Last evaluated: 2023-02-15. Review status: criteria provided, single submitter. Criteria: Ambry Variant Classification Scheme 2023. Collection method: clinical testing. Allele origin: germline.

NM_005886.3(KATNB1):c.1630G>A (p.Val544Ile)

Gene: KATNB1 (katanin regulatory subunit B1; plus strand). Cytogenetic location: 16q21.
Variant type: single nucleotide variant.
Coding change: c.1630G>A on transcript NM_005886.3 (MANE Select); coding-DNA position 1630, G replaced by A.
Protein change: p.Val544Ile; replaces valine 544 with isoleucine.
Molecular consequence: missense variant.
Genome position (GRCh38, 1-based): chr16:57,755,904, G>A. VCF-style: chr16-57755904-G-A. GRCh37 (hg19) VCF-style: chr16-57789816-G-A.
Other names: c.1630G>A (NM_005886.2); short protein forms V544I.
Identifiers: ClinVar variation 2173756 (VCV002173756.5), dbSNP rs781794269, ClinGen allele CA8081312.
Genomic context (GRCh38, chr16:57,755,904, plus strand): 5'-TCGGTGGACTCCGCTGTGGCCATCAACGACCTGTCGGTGGTGGTGGACCTCCTGAACATC[G>A]TCAACCAGAAAGCGTAAGTGGCTGCAGAGGGGGAGTGGGCGGAGGGGCAGGGCTGGGCTG-3'
Protein context (NP_005877.2, residues 534-554): LSVVVDLLNI[Val544Ile]NQKASLWKLD